The following is an entry in ClinVar:

NM_000179.3(MSH6):c.3195C>T (p.Asn1065=)

Gene: MSH6 (mutS homolog 6; plus strand). Cytogenetic location: 2p16.3.
Variant type: single nucleotide variant.
Coding change: c.3195C>T on transcript NM_000179.3 (MANE Select); coding-DNA position 3195, C replaced by T.
Protein change: p.Asn1065=; no amino-acid change (asparagine 1065 retained).
Molecular consequence: synonymous variant. On other transcripts: 5 prime UTR variant (1), non-coding transcript variant (5), intron variant (1).
Genome position (GRCh38, 1-based): chr2:47,803,442, C>T. VCF-style: chr2-47803442-C-T. GRCh37 (hg19) VCF-style: chr2-48030581-C-T.
Other names: c.2805C>T, p.Asn935= (NM_001281492.2); c.2289C>T, p.Asn763= (NM_001281493.2, NM_001281494.2, NM_001406811.1 and 6 more transcripts); c.3291C>T, p.Asn1097= (NM_001406795.1, NM_001406802.1); c.3195C>T, p.Asn1065= (NM_001406796.1, NM_001406800.1, NM_001406808.1 and 1 more transcripts); c.2898C>T, p.Asn966= (NM_001406797.1, NM_001406801.1, NM_001406805.1 and 10 more transcripts); c.2670C>T, p.Asn890= (NM_001406799.1, NM_001406806.1, NM_001406807.1); c.2331C>T, p.Asn777= (NM_001406803.1); c.3117C>T, p.Asn1039= (NM_001406804.1); and 7 more.
Identifiers: ClinVar variation 3904684 (VCV003904684.3).

ClinVar aggregate classification (germline): Benign/Likely benign. Review status: criteria provided, multiple submitters, no conflicts (2 of 4 stars). 3 submissions from 3 submitters: Benign (1); Likely benign (2). Last evaluated 2026-06-19.

Conditions:
Lynch syndrome 5 (LYNCH5). Also called: Hereditary non-polyposis colorectal cancer, type 5; Colorectal cancer, hereditary nonpolyposis, type 5. Identifiers: Orphanet 144, MedGen C1833477, MONDO:0013710, OMIM 614350. Disease mechanism: loss of function.
Hereditary cancer-predisposing syndrome. Also called: Hereditary Cancer Syndrome; Hereditary neoplastic syndrome; Neoplastic Syndromes, Hereditary; Tumor predisposition. Identifiers: Orphanet 140162, MedGen C0027672, MeSH D009386, MONDO:0015356.

gnomAD v4.1: 1 of 1,614,148 alleles (0.000062%); highest among the groups gnomAD compares: Middle Eastern, 0.016%; no homozygotes.

Submissions (3):

Ambry Genetics
Classification: Likely benign for Hereditary cancer-predisposing syndrome. Last evaluated: 2026-06-19. Review status: criteria provided, single submitter. Criteria: Ambry Variant Classification Scheme 2023. Collection method: clinical testing. Allele origin: germline.

Myriad Genetics, Inc.
Classification: Benign for Lynch syndrome 5. Last evaluated: 2025-01-03. Review status: criteria provided, single submitter. Criteria: Myriad Autosomal Dominant, Autosomal Recessive and X-Linked Classification Criteria (2023). Collection method: clinical testing. Allele origin: unknown.
Comment: This variant is considered benign. This variant is a silent/synonymous amino acid change and it is not expected to impact splicing.

Blueprint Genetics
Classification: Likely benign. Last evaluated: 2024-06-10. Review status: criteria provided, single submitter. Criteria: ACMG Guidelines, 2015. Collection method: clinical testing. Allele origin: germline.